The following is an entry in ClinVar:

ClinVar aggregate classification (germline): Uncertain significance. Review status: criteria provided, multiple submitters, no conflicts (2 of 4 stars). 3 submissions from 3 submitters: Uncertain significance (3). Last evaluated 2025-08-25.

Conditions:
CTC1-related disorder. Also called: CTC1-related condition.
Dyskeratosis congenita. Identifiers: Orphanet 1775, MedGen C0265965, MONDO:0015780.

Allele frequency attached by ClinVar (database versions not stated): gnomAD exomes 0.00002 and 0.00003; ExAC 0.00007; ESP Exome Variant Server 0.00008; gnomAD 0.00030 and 0.00031; 1000 Genomes Project 30x 0.00062; TOPMed 0.00068; 1000 Genomes Project 0.00080.
gnomAD v4.1: 76 of 1,611,094 alleles (0.0047%); highest among the groups gnomAD compares: Admixed American, 0.099%; no homozygotes.

Submissions (3):

PreventionGenetics, part of Exact Sciences
Classification: Uncertain significance for CTC1-related condition. Last evaluated: 2025-08-25. Review status: criteria provided, single submitter. Criteria: ACMG Guidelines, 2015. Collection method: clinical testing. Allele origin: germline.
Comment: The CTC1 c.194A>G variant is predicted to result in the amino acid substitution p.Tyr65Cys. To our knowledge, this variant has not been reported in the literature. This variant is reported in 0.017% of alleles in individuals of African descent in gnomAD. At this time, the clinical significance of this variant is uncertain due to the absence of conclusive functional and genetic evidence.

Blueprint Genetics
Classification: Uncertain significance. Last evaluated: 2022-10-14. Review status: criteria provided, single submitter. Criteria: ACMG Guidelines, 2015. Collection method: clinical testing. Allele origin: germline.

Labcorp Genetics (formerly Invitae), Labcorp
Classification: Uncertain significance for Dyskeratosis congenita. Last evaluated: 2022-07-26. Review status: criteria provided, single submitter. Criteria: Invitae Variant Classification Sherloc (09022015). Collection method: clinical testing. Allele origin: germline.
Comment: This sequence change replaces tyrosine, which is neutral and polar, with cysteine, which is neutral and slightly polar, at codon 65 of the CTC1 protein (p.Tyr65Cys). This variant is present in population databases (rs201731405, gnomAD 0.01%). This variant has not been reported in the literature in individuals affected with CTC1-related conditions. ClinVar contains an entry for this variant (Variation ID: 241579). Algorithms developed to predict the effect of missense changes on protein structure and function are either unavailable or do not agree on the potential impact of this missense change (SIFT: "Deleterious"; PolyPhen-2: "Probably Damaging"; Align-GVGD: "Class C0"). Algorithms developed to predict the effect of sequence changes on RNA splicing suggest that this variant may create or strengthen a splice site. In summary, the available evidence is currently insufficient to determine the role of this variant in disease. Therefore, it has been classified as a Variant of Uncertain Significance.

NM_025099.6(CTC1):c.194A>G (p.Tyr65Cys)

Gene: CTC1 (CST telomere replication complex component 1; minus strand). Cytogenetic location: 17p13.1.
Variant type: single nucleotide variant.
Coding change: c.194A>G on transcript NM_025099.6 (MANE Select); coding-DNA position 194, A replaced by G.
Protein change: p.Tyr65Cys; replaces tyrosine 65 with cysteine.
Molecular consequence: missense variant. On other transcripts: non-coding transcript variant (1).
Genome position (GRCh38, 1-based): chr17:8,242,988, T>C on the plus strand (A>G on the coding strand, the complement: CTC1 is on the minus strand). VCF-style: chr17-8242988-T-C. GRCh37 (hg19) VCF-style: chr17-8146306-T-C.
Other names: short protein forms Y65C.
Identifiers: ClinVar variation 241579 (VCV000241579.9), dbSNP rs201731405, ClinGen allele CA8372698.